The following is an entry in ClinVar:

NM_020719.3(PRR12):c.3300G>A (p.Glu1100=)

Gene: PRR12 (proline rich 12; plus strand). Cytogenetic location: 19q13.33.
Variant type: single nucleotide variant.
Coding change: c.3300G>A on transcript NM_020719.3 (MANE Select); coding-DNA position 3300, G replaced by A.
Protein change: p.Glu1100=; no amino-acid change (glutamic acid 1100 retained).
Molecular consequence: synonymous variant.
Genome position (GRCh38, 1-based): chr19:49,597,635, G>A. VCF-style: chr19-49597635-G-A. GRCh37 (hg19) VCF-style: chr19-50100892-G-A.
Identifiers: ClinVar variation 3045462 (VCV003045462.4), dbSNP rs199972284, ClinGen allele CA9578267.

ClinVar aggregate classification (germline): Likely benign. Review status: criteria provided, multiple submitters, no conflicts (2 of 4 stars). 3 submissions from 3 submitters: Likely benign (2). 1 of the submissions does not count toward it. Last evaluated 2026-09-01.

Conditions:
PRR12-related disorder. Also called: PRR12-related condition.

Allele frequency attached by ClinVar (database versions not stated): gnomAD exomes 0.00010; ExAC 0.00046; ESP Exome Variant Server 0.00080; 1000 Genomes Project 0.00100; 1000 Genomes Project 30x 0.00125; gnomAD 0.00133; TOPMed 0.00195.
gnomAD v4.1: 370 of 1,609,522 alleles (0.023%); highest among the groups gnomAD compares: African/African-American, 0.31%; 1 homozygote.

Submissions (3):

CeGaT Center for Human Genetics Tuebingen
Classification: Likely benign. Last evaluated: 2026-09-01. Review status: criteria provided, single submitter. Criteria: CeGaT Center For Human Genetics Tuebingen Variant Classification Criteria Version 2. Collection method: clinical testing. Allele origin: germline. Affected: yes. Observed: 1 variant allele.
Comment: PRR12: BP4, BP7

Breakthrough Genomics
Classification: Likely benign. Review status: criteria provided, single submitter. Criteria: ACMG Guidelines, 2015. Collection method: not provided. Allele origin: germline. Inheritance: Autosomal dominant inheritance. Affected: yes.

PreventionGenetics, part of Exact Sciences
Classification: Likely benign for PRR12-related condition. Last evaluated: 2022-07-11. Review status: no assertion criteria provided. Collection method: clinical testing. Allele origin: germline. Not counted in ClinVar's aggregate classification.
Comment: This variant is classified as likely benign based on ACMG/AMP sequence variant interpretation guidelines (Richards et al. 2015 PMID: 25741868, with internal and published modifications).